The following is an entry in ClinVar:

ClinVar aggregate classification (germline): Uncertain significance (1 of 4 stars; one submission).

Submission:

CeGaT Center for Human Genetics Tuebingen
Classification: Uncertain significance. Last evaluated: 2023-07-01. Review status: criteria provided, single submitter. Criteria: CeGaT Center For Human Genetics Tuebingen Variant Classification Criteria Version 2. Collection method: clinical testing. Allele origin: germline. Affected: yes. Observed: 1 variant allele.
Comment: ALG13: PM2, BP4

NM_001099922.3(ALG13):c.2143T>C (p.Tyr715His)

Gene: ALG13 (ALG13 UDP-N-acetylglucosaminyltransferase subunit; plus strand). Cytogenetic location: Xq23.
Variant type: single nucleotide variant.
Coding change: c.2143T>C on transcript NM_001099922.3 (MANE Select); coding-DNA position 2143, T replaced by C.
Protein change: p.Tyr715His; replaces tyrosine 715 with histidine.
Molecular consequence: missense variant. On other transcripts: non-coding transcript variant (1).
Genome position (GRCh38, 1-based): chrX:111,727,666, T>C. VCF-style: chrX-111727666-T-C. GRCh37 (hg19) VCF-style: chrX-110970894-T-C.
Other names: c.1831T>C, p.Tyr611His (NM_001257230.2, NM_001257234.2, NM_001257237.2); c.1909T>C, p.Tyr637His (NM_001257231.2); c.2143T>C, p.Tyr715His (NM_001324292.2); c.1657T>C, p.Tyr553His (NM_001324293.1); short protein forms Y553H, Y611H, Y637H, Y715H.
Identifiers: ClinVar variation 2579103 (VCV002579103.23), dbSNP rs2525957716, ClinGen allele CA414253371.
Genomic context (GRCh38, chrX:111,727,666, plus strand): 5'-CACTTAAGTTCATTTAGACGTAGTCACCGCCAGATGAGTTGTGTGAATAAGGAGTCCCAG[T>C]ATGGATTTACCCCAGGGAATGGACAGATGCCCAGGGGCTTGGAAGAAACTATTACTTTTT-3'
Protein context (NP_001093392.1, residues 705-725): QMSCVNKESQ[Tyr715His]GFTPGNGQMP